The following is an entry in ClinVar:

NM_032578.4(MYPN):c.1880C>T (p.Ser627Phe)

Gene: MYPN (myopalladin; plus strand). Cytogenetic location: 10q21.3.
Variant type: single nucleotide variant.
Coding change: c.1880C>T on transcript NM_032578.4 (MANE Select); coding-DNA position 1880, C replaced by T.
Protein change: p.Ser627Phe; replaces serine 627 with phenylalanine.
Molecular consequence: missense variant. On other transcripts: non-coding transcript variant (2).
Genome position (GRCh38, 1-based): chr10:68,166,573, C>T. VCF-style: chr10-68166573-C-T. GRCh37 (hg19) VCF-style: chr10-69926330-C-T.
Other names: c.1880C>T, p.Ser627Phe (NM_001256267.2); c.998C>T, p.Ser333Phe (NM_001256268.2); short protein forms S333F, S627F.
Identifiers: ClinVar variation 1305457 (VCV001305457.5), dbSNP rs762100810, ClinGen allele CA376840614.
Genomic context (GRCh38, chr10:68,166,573, plus strand): 5'-AAGGAAGTGAAGCATCCTCCGAGGCTGGTGTGGTGACCACCAGACAGACCAGGCCCGATT[C>T]TTTCCAGGAGAGGTTCAACGGACAGGCAACAAAAACCCCAGAGCCTTCTTCCCCCGTGAA-3'
Protein context (NP_115967.2, residues 617-637): VVTTRQTRPD[Ser627Phe]FQERFNGQAT

ClinVar aggregate classification (germline): Uncertain significance. Review status: criteria provided, multiple submitters, no conflicts (2 of 4 stars). 2 submissions from 2 submitters: Uncertain significance (2). Last evaluated 2025-06-09.

Conditions:
Cardiovascular phenotype. Identifiers: MedGen CN230736.

Allele frequency attached by ClinVar (database versions not stated): gnomAD 0.00001.

Submissions (2):

Ambry Genetics
Classification: Uncertain significance for Cardiovascular phenotype. Last evaluated: 2025-06-09. Review status: criteria provided, single submitter. Criteria: Ambry Variant Classification Scheme 2023. Collection method: clinical testing. Allele origin: germline.
Comment: The p.S627F variant (also known as c.1880C>T), located in coding exon 9 of the MYPN gene, results from a C to T substitution at nucleotide position 1880. The serine at codon 627 is replaced by phenylalanine, an amino acid with highly dissimilar properties. This amino acid position is not well conserved in available vertebrate species, and phenylalanine is the reference amino acid in other vertebrate species. In addition, this alteration is predicted to be tolerated by in silico analysis. Since supporting evidence is limited at this time, the clinical significance of this alteration remains unclear.

GeneDx
Classification: Uncertain significance. Last evaluated: 2019-04-25. Review status: criteria provided, single submitter. Criteria: GeneDx Variant Classification Process June 2021. Collection method: clinical testing. Allele origin: germline. Affected: yes.
Comment: Not observed in large population cohorts (Lek et al., 2016); In silico analysis, which includes protein predictors and evolutionary conservation, supports that this variant does not alter protein structure/function; Has not been previously published as pathogenic or benign to our knowledge